The following is an entry in ClinVar:

ClinVar aggregate classification (germline): Conflicting classifications of pathogenicity. Review status: criteria provided, conflicting classifications (1 of 4 stars). 5 submissions from 5 submitters: Uncertain significance (3); Likely benign (1). 1 of the submissions does not count toward it. Last evaluated 2024-10-29.

Conditions:
Inborn genetic diseases. Identifiers: MedGen C0950123, MeSH D030342.
Congenital lactic acidosis, Saguenay-Lac-Saint-Jean type (MC4DN5). Also called: CYTOCHROME c OXIDASE DEFICIENCY, FRENCH CANADIAN TYPE; COX DEFICIENCY, FRENCH CANADIAN TYPE; MITOCHONDRIAL COMPLEX IV DEFICIENCY, NUCLEAR TYPE 5. Identifiers: Orphanet 70472, MedGen C1857355, MONDO:0009069, OMIM 220111.

Allele frequency attached by ClinVar (database versions not stated): gnomAD exomes 0.00007; gnomAD 0.00022; TOPMed 0.00029; ESP Exome Variant Server 0.00038; 1000 Genomes Project 30x 0.00078; 1000 Genomes Project 0.00100.
gnomAD v4.1: 63 of 1,613,440 alleles (0.0039%); highest among the groups gnomAD compares: African/African-American, 0.073%; no homozygotes.

Submissions (5):

Ambry Genetics
Classification: Likely benign for Inborn genetic diseases. Last evaluated: 2024-10-29. Review status: criteria provided, single submitter. Criteria: Ambry Variant Classification Scheme 2023. Collection method: clinical testing. Allele origin: germline.

Blueprint Genetics
Classification: Uncertain significance. Last evaluated: 2024-07-04. Review status: criteria provided, single submitter. Criteria: ACMG Guidelines, 2015. Collection method: clinical testing. Allele origin: germline.

Labcorp Genetics (formerly Invitae), Labcorp
Classification: Uncertain significance. Last evaluated: 2024-05-22. Review status: criteria provided, single submitter. Criteria: Invitae Variant Classification Sherloc (09022015). Collection method: clinical testing. Allele origin: germline.
Comment: This sequence change replaces tyrosine, which is neutral and polar, with phenylalanine, which is neutral and non-polar, at codon 207 of the LRPPRC protein (p.Tyr207Phe). This variant is present in population databases (rs146293544, gnomAD 0.09%). This variant has not been reported in the literature in individuals affected with LRPPRC-related conditions. ClinVar contains an entry for this variant (Variation ID: 665678). Advanced modeling of protein sequence and biophysical properties (such as structural, functional, and spatial information, amino acid conservation, physicochemical variation, residue mobility, and thermodynamic stability) performed at Invitae indicates that this missense variant is not expected to disrupt LRPPRC protein function with a negative predictive value of 80%. Algorithms developed to predict the effect of sequence changes on RNA splicing suggest that this variant may disrupt the consensus splice site. In summary, the available evidence is currently insufficient to determine the role of this variant in disease. Therefore, it has been classified as a Variant of Uncertain Significance.

GeneDx
Classification: Uncertain significance. Last evaluated: 2022-12-14. Review status: criteria provided, single submitter. Criteria: GeneDx Variant Classification Process June 2021. Collection method: clinical testing. Allele origin: germline. Affected: yes.
Comment: In silico analysis supports that this missense variant has a deleterious effect on protein structure/function; Has not been previously published as pathogenic or benign to our knowledge

Natera, Inc.
Classification: Uncertain significance for French-Canadian type Leigh syndrome. Last evaluated: 2019-11-11. Review status: no assertion criteria provided. Collection method: clinical testing. Allele origin: germline. Not counted in ClinVar's aggregate classification.

NM_133259.4(LRPPRC):c.620A>T (p.Tyr207Phe)

Gene: LRPPRC (leucine rich pentatricopeptide repeat containing; minus strand). Cytogenetic location: 2p21.
Variant type: single nucleotide variant.
Coding change: c.620A>T on transcript NM_133259.4 (MANE Select); coding-DNA position 620, A replaced by T.
Protein change: p.Tyr207Phe; replaces tyrosine 207 with phenylalanine.
Molecular consequence: missense variant.
Genome position (GRCh38, 1-based): chr2:43,977,024, T>A on the plus strand (A>T on the coding strand, the complement: LRPPRC is on the minus strand). VCF-style: chr2-43977024-T-A. GRCh37 (hg19) VCF-style: chr2-44204163-T-A.
Other names: short protein forms Y207F.
Identifiers: ClinVar variation 665678 (VCV000665678.8), dbSNP rs146293544, ClinGen allele CA1639286.
Genomic context (GRCh38, chr2:43,977,024, plus strand): 5'-TCGCTTAAACATGTTCATACAGATCCATACCTGGCACCTTCAATATCTCCTACATTACAA[T>A]AAGAAGCAATCAATCTCTGGTATGTCACCTGTCAATGAAATGGGCCAGTTAATTTTAAAT-3'
Protein context (NP_573566.2, residues 197-217): RVTYQRLIAS[Tyr207Phe]CNVGDIEGAS